The following is an entry in ClinVar:

NM_025114.4(CEP290):c.2737G>T (p.Glu913Ter)

Gene: CEP290 (centrosomal protein 290; minus strand). Cytogenetic location: 12q21.32.
Variant type: single nucleotide variant.
Coding change: c.2737G>T on transcript NM_025114.4 (MANE Select); coding-DNA position 2737, G replaced by T.
Protein change: p.Glu913Ter; replaces glutamic acid 913 with a stop codon.
Molecular consequence: nonsense.
Genome position (GRCh38, 1-based): chr12:88,106,755, C>A on the plus strand (G>T on the coding strand, the complement: CEP290 is on the minus strand). VCF-style: chr12-88106755-C-A. GRCh37 (hg19) VCF-style: chr12-88500532-C-A.
Other names: short protein forms E913*.
Identifiers: ClinVar variation 2101349 (VCV002101349.4), dbSNP rs2500616179, ClinGen allele CA385970987.

ClinVar aggregate classification (germline): Pathogenic (1 of 4 stars; one submission).

Conditions:
Joubert syndrome. Also called: CEREBELLOPARENCHYMAL DISORDER IV; JOUBERT-BOLTSHAUSER SYNDROME; Familial aplasia of the vermis. Identifiers: Orphanet 475, MedGen C5979921, MONDO:0018772.
Nephronophthisis. Also called: Juvenile Nephronophthisis. Identifiers: Orphanet 655, MedGen C0687120, MONDO:0019005, HP:0000090.
Meckel-Gruber syndrome. Also called: DYSENCEPHALIA SPLANCHNOCYSTICA; GRUBER SYNDROME; Dysencephalia splachnocystica. Identifiers: Orphanet 564, MedGen C0265215, MONDO:0018921.

Submission:

Labcorp Genetics (formerly Invitae), Labcorp
Classification: Pathogenic for Joubert syndrome; Meckel-Gruber syndrome; Nephronophthisis. Last evaluated: 2022-02-21. Review status: criteria provided, single submitter. Criteria: Invitae Variant Classification Sherloc (09022015). Collection method: clinical testing. Allele origin: germline.
Comment: Algorithms developed to predict the effect of sequence changes on RNA splicing suggest that this variant may disrupt the consensus splice site. For these reasons, this variant has been classified as Pathogenic. This sequence change creates a premature translational stop signal (p.Glu913*) in the CEP290 gene. It is expected to result in an absent or disrupted protein product. Loss-of-function variants in CEP290 are known to be pathogenic (PMID: 16909394, 17345604, 20690115). This variant is not present in population databases (gnomAD no frequency). This premature translational stop signal has been observed in individual(s) with Leber congenital amaurosis (PMID: 32865313).

Literature cited by the submitters: PubMed 16909394; PubMed 17345604; PubMed 20690115; PubMed 32865313.